The following is an entry in ClinVar:

NM_019892.6(INPP5E):c.1905_1906del (p.Asn636fs)

Gene: INPP5E (inositol polyphosphate-5-phosphatase E; minus strand). Cytogenetic location: 9q34.3.
Variant type: Deletion.
Coding change: c.1905_1906del on transcript NM_019892.6 (MANE Select); coding-DNA positions 1905 to 1906, 2 bases deleted (GA; older notation c.1905_1906delGA).
Protein change: p.Asn636fs; shifts the reading frame from asparagine 636.
Molecular consequence: frameshift variant.
Genome position (GRCh38, 1-based): chr9:136,429,704-136,429,705, TC deleted on the plus strand (GA on the coding strand, the reverse complement: INPP5E is on the minus strand); deleting any 2 consecutive bases within chr9:136,429,704-136,429,706 gives the same sequence; the c. name uses the placement nearest the transcript's 3' end. VCF-style (leftmost placement, unchanged base first): chr9-136429703-TTC-T. GRCh37 (hg19) VCF-style: chr9-139324155-TTC-T.
Other names: c.1902_1903del, p.Asn635fs (NM_001318502.2); short protein forms N635fs, N636fs.
Identifiers: ClinVar variation 1683371 (VCV001683371.2), dbSNP rs2131604074, ClinGen allele CA2573144372.

ClinVar aggregate classification (germline): Uncertain significance. Review status: criteria provided, multiple submitters, no conflicts (2 of 4 stars). 2 submissions from 2 submitters: Uncertain significance (2). Last evaluated 2022-04-12.

Submissions (2):

Women's Health and Genetics/Laboratory Corporation of America, LabCorp
Classification: Uncertain significance. Last evaluated: 2022-04-12. Review status: criteria provided, single submitter. Criteria: LabCorp Variant Classification Summary - May 2015. Collection method: clinical testing. Allele origin: germline.
Comment: Variant summary: INPP5E c.1905_1906delGA (p.Asn636LeufsX61) located in the last exon causes a frameshift which results in an extension of the protein. Truncations downstream of this position have not been observed/reported in the HGMD/LOVD databases. The variant was absent in 251472 control chromosomes. The available data on variant occurrences in the general population are insufficient to allow any conclusion about variant significance. To our knowledge, no occurrence of c.1905_1906delGA in individuals affected with Joubert Syndrome And Related Disorders and no experimental evidence demonstrating its impact on protein function have been reported. No clinical diagnostic laboratories have submitted clinical-significance assessments for this variant to ClinVar after 2014. Based on the evidence outlined above, the variant was classified as uncertain significance.

Blueprint Genetics
Classification: Uncertain significance. Last evaluated: 2019-07-04. Review status: criteria provided, single submitter. Criteria: ACMG Guidelines, 2015. Collection method: clinical testing. Allele origin: germline.